The following is an entry in ClinVar:

ClinVar aggregate classification (germline): Conflicting classifications of pathogenicity. Review status: criteria provided, conflicting classifications (1 of 4 stars). 5 submissions from 5 submitters: Uncertain significance (1); Benign (3); Likely benign (1). Last evaluated 2026-01-15.

Conditions:
Autosomal recessive nonsyndromic hearing loss 24. Identifiers: Orphanet 90636, MedGen C1970239, MONDO:0012602, OMIM 611022.

Allele frequency attached by ClinVar (database versions not stated): TOPMed 0.00104; 1000 Genomes Project 0.00300; 1000 Genomes Project 30x 0.00359.
gnomAD v4.1: 606 of 1,613,698 alleles (0.038%); highest among the groups gnomAD compares: East Asian, 0.74%; 6 homozygotes.

Submissions (6):

Labcorp Genetics (formerly Invitae), Labcorp
Classification: Benign. Last evaluated: 2026-01-15. Review status: criteria provided, single submitter. Criteria: Invitae Variant Classification Sherloc (09022015). Collection method: clinical testing. Allele origin: germline.

Blueprint Genetics
Classification: Likely benign. Last evaluated: 2024-10-14. Review status: criteria provided, single submitter. Criteria: ACMG Guidelines, 2015. Collection method: clinical testing. Allele origin: germline.

GeneDx
Classification: Benign. Last evaluated: 2018-05-23. Review status: criteria provided, single submitter. Criteria: GeneDx Variant Classification (06012015). Collection method: clinical testing. Allele origin: germline. Affected: yes.
Comment: This variant is considered likely benign or benign based on one or more of the following criteria: it is a conservative change, it occurs at a poorly conserved position in the protein, it is predicted to be benign by multiple in silico algorithms, and/or has population frequency not consistent with disease.

Illumina Laboratory Services, Illumina
Classification: Uncertain significance for Autosomal recessive nonsyndromic hearing loss 24. Last evaluated: 2018-01-12. Review status: criteria provided, single submitter. Criteria: ICSL Variant Classification Criteria 13 December 2019. Collection method: clinical testing. Allele origin: germline.

Laboratory for Molecular Medicine, Mass General Brigham Personalized Medicine
Classification: Benign. Last evaluated: 2014-07-16. Review status: criteria provided, single submitter. Criteria: LMM Criteria. Collection method: clinical testing. Allele origin: germline. Observed: 2 variant alleles.
Comment: Pro118Pro in exon 5 of RDX: This variant is not expected to have clinical signif icance because it does not alter an amino acid residue and is not located within the splice consensus sequence. It has been identified in 3.3% (13/394) of Chine se chromosomes by the 1000 Genomes Project (dbSNP rs144543614).

Dr. Peter K. Rogan Lab, Western University
No classification provided (evidence only). Condition: Gastric cancer. Review status: no classification provided. Collection method: in vitro. Allele origin: not applicable. Functional consequence: retained intron. Not counted in ClinVar's aggregate classification.

NM_002906.4(RDX):c.354G>T (p.Pro118=)

Gene: RDX (radixin; minus strand). Cytogenetic location: 11q22.3.
Variant type: single nucleotide variant.
Coding change: c.354G>T on transcript NM_002906.4 (MANE Select); coding-DNA position 354, G replaced by T.
Protein change: p.Pro118=; no amino-acid change (proline 118 retained).
Molecular consequence: synonymous variant. On other transcripts: intron variant (2).
Genome position (GRCh38, 1-based): chr11:110,264,073, C>A on the plus strand (G>T on the coding strand, the complement: RDX is on the minus strand). VCF-style: chr11-110264073-C-A. GRCh37 (hg19) VCF-style: chr11-110134798-C-A.
Other names: c.354G>T, p.Pro118= (NM_001260492.2, NM_001260493.2); c.258G>T, p.Pro86= (NM_001260496.2); c.-83+15608G>T (NM_001260495.2); c.60-5884G>T (NM_001260494.2).
Identifiers: ClinVar variation 165054 (VCV000165054.15), dbSNP rs144543614, ClinGen allele CA177718.